The following is an entry in ClinVar:

ClinVar aggregate classification (germline): Uncertain significance. Review status: criteria provided, multiple submitters, no conflicts (2 of 4 stars). 4 submissions from 4 submitters: Uncertain significance (3). 1 of the submissions does not count toward it. Last evaluated 2026-08-19.

Conditions:
Cohen syndrome (COH1). Also called: Cutis verticis gyrata, retinitis pigmentosa, and sensorineural deafness; PEPPER SYNDROME. Identifiers: Orphanet 193, MedGen C0265223, MONDO:0008999, OMIM 216550.
Inborn genetic diseases. Identifiers: MedGen C0950123, MeSH D030342.
VPS13B-related disorder. Also called: VPS13B-related condition.

Allele frequency attached by ClinVar (database versions not stated): gnomAD exomes below 0.00001 and 0.00001; ExAC 0.00001.
gnomAD v4.1: 5 of 1,614,130 alleles (0.00031%); highest among the groups gnomAD compares: South Asian, 0.0011%; no homozygotes.

Submissions (4):

PreventionGenetics, part of Exact Sciences
Classification: Uncertain significance for VPS13B-related condition. Last evaluated: 2026-08-19. Review status: criteria provided, single submitter. Criteria: ACMG Guidelines, 2015. Collection method: clinical testing. Allele origin: germline.
Comment: The VPS13B c.2542A>G variant is predicted to result in the amino acid substitution p.Thr848Ala. To our knowledge, this variant has not been reported in the literature. This variant is reported in 0.00088% of alleles in individuals of European (Non-Finnish) descent in gnomAD. At this time, the clinical significance of this variant is uncertain due to the absence of conclusive functional and genetic evidence.

Ambry Genetics
Classification: Uncertain significance for Inborn genetic diseases. Last evaluated: 2023-12-16. Review status: criteria provided, single submitter. Criteria: Ambry Variant Classification Scheme 2023. Collection method: clinical testing. Allele origin: germline.

Labcorp Genetics (formerly Invitae), Labcorp
Classification: Uncertain significance for Cohen syndrome. Last evaluated: 2021-08-26. Review status: criteria provided, single submitter. Criteria: Invitae Variant Classification Sherloc (09022015). Collection method: clinical testing. Allele origin: germline.

Natera, Inc.
Classification: Uncertain significance for Cohen syndrome. Last evaluated: 2020-03-17. Review status: no assertion criteria provided. Collection method: clinical testing. Allele origin: germline. Not counted in ClinVar's aggregate classification.

NM_152564.5(VPS13B):c.2542A>G (p.Thr848Ala)

Gene: VPS13B (vacuolar protein sorting 13 homolog B; plus strand). Cytogenetic location: 8q22.2.
Variant type: single nucleotide variant.
Coding change: c.2542A>G on transcript NM_152564.5 (MANE Select); coding-DNA position 2542, A replaced by G.
Protein change: p.Thr848Ala; replaces threonine 848 with alanine.
Molecular consequence: missense variant.
Genome position (GRCh38, 1-based): chr8:99,274,224, A>G. VCF-style: chr8-99274224-A-G. GRCh37 (hg19) VCF-style: chr8-100286452-A-G.
Other names: c.2542A>G (NM_152564.4, NM_017890.3); c.2542A>G, p.Thr848Ala (NM_017890.5); short protein forms T848A.
Identifiers: ClinVar variation 1003212 (VCV001003212.9), dbSNP rs745738175, ClinGen allele CA4822952.
Genomic context (GRCh38, chr8:99,274,224, plus strand): 5'-ATCGGCTAGTACATTTGCAGTTTTCTTTTATTAGGTGTGAAATCTAAGAATCCCCTGCCA[A>G]CTCTTGAGGGCTCAATCCAGAATGTTGAATTGAAGTACTGCAGCACATCATTGGTCAAAT-3'
Protein context (NP_689777.3, residues 838-858): IGVKSKNPLP[Thr848Ala]LEGSIQNVEL